The following is an entry in ClinVar:

ClinVar aggregate classification (germline): Uncertain significance. Review status: criteria provided, multiple submitters, no conflicts (2 of 4 stars). 3 submissions from 3 submitters: Uncertain significance (3). Last evaluated 2023-09-29.

Conditions:
Hereditary cancer-predisposing syndrome. Also called: Tumor predisposition; Hereditary Cancer Syndrome; Hereditary neoplastic syndrome; Neoplastic Syndromes, Hereditary. Identifiers: Orphanet 140162, MedGen C0027672, MeSH D009386, MONDO:0015356.
Hereditary breast ovarian cancer syndrome. Also called: Breast and ovarian cancer; Hereditary breast and ovarian cancer; Hereditary breast and/or ovarian cancer syndrome; BRCA1- and BRCA2-Associated Hereditary Breast and Ovarian Cancer; Hereditary breast and ovarian cancer syndrome (HBOC); Hereditary breast and ovarian cancer syndrome. Identifiers: Orphanet 145, MedGen C0677776, MeSH D061325, MONDO:0003582. Disease mechanism: loss of function.

Submissions (3):

Labcorp Genetics (formerly Invitae), Labcorp
Classification: Uncertain significance for Hereditary breast ovarian cancer syndrome. Last evaluated: 2023-09-29. Review status: criteria provided, single submitter. Criteria: Invitae Variant Classification Sherloc (09022015). Collection method: clinical testing. Allele origin: germline.
Comment: This variant has not been reported in the literature in individuals affected with BRCA2-related conditions. This variant is not present in population databases (gnomAD no frequency). This sequence change replaces serine, which is neutral and polar, with alanine, which is neutral and non-polar, at codon 197 of the BRCA2 protein (p.Ser197Ala). ClinVar contains an entry for this variant (Variation ID: 182178). Advanced modeling of protein sequence and biophysical properties (such as structural, functional, and spatial information, amino acid conservation, physicochemical variation, residue mobility, and thermodynamic stability) performed at Invitae indicates that this missense variant is not expected to disrupt BRCA2 protein function. In summary, the available evidence is currently insufficient to determine the role of this variant in disease. Therefore, it has been classified as a Variant of Uncertain Significance.

Ambry Genetics
Classification: Uncertain significance for Hereditary cancer-predisposing syndrome. Last evaluated: 2022-05-26. Review status: criteria provided, single submitter. Criteria: Ambry Variant Classification Scheme 2023. Collection method: clinical testing. Allele origin: germline.
Comment: The p.S197A variant (also known as c.589T>G), located in coding exon 6 of the BRCA2 gene, results from a T to G substitution at nucleotide position 589. The serine at codon 197 is replaced by alanine, an amino acid with similar properties. This amino acid position is conserved. In addition, this alteration is predicted to be tolerated by in silico analysis. Since supporting evidence is limited at this time, the clinical significance of this alteration remains unclear.

GeneDx
Classification: Uncertain significance. Last evaluated: 2013-11-27. Review status: criteria provided, single submitter. Criteria: GeneDx Variant Classification (06012015). Collection method: clinical testing. Allele origin: germline. Affected: yes.
Comment: This variant is denoted BRCA2 c.589T>G at the cDNA level, p.Ser197Ala (S197A) at the protein level, and results in the change of a Serine to an Alanine (TCT>GCT). This variant has not, to our knowledge, been published in the literature as pathogenic or benign. BRCA2 Ser197Ala was not observed in approximately 6,500 individuals of European and African American ancestry in the NHLBI Exome Sequencing Project, indicating it is not a common benign variant in these populations. This variant is a semi-conservative substitution of a neutral polar amino acid for a neutral non-polar one, altering a position that is well conserved throughout evolution and is not located in a known functional domain (UniProt). Multiple in silico algorithms predict that this variant may be damaging to protein structure and function. Based on currently available information, it is unclear whether BRCA2 Ser197Ala is pathogenic or benign. We consider it to be a variant of uncertain significance.

NM_000059.4(BRCA2):c.589T>G (p.Ser197Ala)

Gene: BRCA2 (BRCA2 DNA repair associated; plus strand). Cytogenetic location: 13q13.1.
Variant type: single nucleotide variant.
Coding change: c.589T>G on transcript NM_000059.4 (MANE Select); coding-DNA position 589, T replaced by G.
Protein change: p.Ser197Ala; replaces serine 197 with alanine.
Molecular consequence: missense variant.
Genome position (GRCh38, 1-based): chr13:32,326,571, T>G. VCF-style: chr13-32326571-T-G. GRCh37 (hg19) VCF-style: chr13-32900708-T-G.
Other names: p.S197A:TCT>GCT; short protein forms S197A.
Identifiers: ClinVar variation 182178 (VCV000182178.7), dbSNP rs730881505, ClinGen allele CA023353.